The following is an entry in ClinVar:

ClinVar aggregate classification (germline): Uncertain significance (1 of 4 stars; one submission).

Conditions:
Hereditary cancer-predisposing syndrome. Also called: Neoplastic Syndromes, Hereditary; Tumor predisposition; Hereditary Cancer Syndrome; Hereditary neoplastic syndrome. Identifiers: Orphanet 140162, MedGen C0027672, MeSH D009386, MONDO:0015356.

Submission:

Ambry Genetics
Classification: Uncertain significance for Hereditary cancer-predisposing syndrome. Last evaluated: 2022-05-07. Review status: criteria provided, single submitter. Criteria: Ambry Variant Classification Scheme 2023. Collection method: clinical testing. Allele origin: germline.
Comment: The p.F1376Y variant (also known as c.4127T>A), located in coding exon 33 of the TSC2 gene, results from a T to A substitution at nucleotide position 4127. The phenylalanine at codon 1376 is replaced by tyrosine, an amino acid with highly similar properties. This amino acid position is conserved. In addition, the in silico prediction for this alteration is inconclusive. Since supporting evidence is limited at this time, the clinical significance of this alteration remains unclear.

NM_000548.5(TSC2):c.4127T>A (p.Phe1376Tyr)

Gene: TSC2 (TSC complex subunit 2; plus strand). Cytogenetic location: 16p13.3.
Variant type: single nucleotide variant.
Coding change: c.4127T>A on transcript NM_000548.5 (MANE Select); coding-DNA position 4127, T replaced by A.
Protein change: p.Phe1376Tyr; replaces phenylalanine 1376 with tyrosine.
Molecular consequence: missense variant.
Genome position (GRCh38, 1-based): chr16:2,084,349, T>A. VCF-style: chr16-2084349-T-A. GRCh37 (hg19) VCF-style: chr16-2134350-T-A.
Other names: c.2324T>A, p.Phe775Tyr (NM_001406698.1); c.3998T>A, p.Phe1333Tyr (NM_021055.3, NM_001370405.1); c.3926T>A, p.Phe1309Tyr (NM_001077183.3); c.4058T>A, p.Phe1353Tyr (NM_001114382.3); c.3818T>A, p.Phe1273Tyr (NM_001318827.2); c.3782T>A, p.Phe1261Tyr (NM_001318829.2); c.3395T>A, p.Phe1132Tyr (NM_001318831.2); c.3959T>A, p.Phe1320Tyr (NM_001318832.2); and 26 more; short protein forms F1110Y, F1176Y, F1290Y, F1305Y, F1310Y, F1339Y, F1353Y, F862Y.
Identifiers: ClinVar variation 1738051 (VCV001738051.2), dbSNP rs2544261534, ClinGen allele CA394299580.